The following is an entry in ClinVar:

ClinVar aggregate classification (germline): Uncertain significance (1 of 4 stars; one submission).

Conditions:
Rubinstein-Taybi syndrome due to EP300 haploinsufficiency. Also called: EP300-Related Rubinstein-Taybi Syndrome; RUBINSTEIN-TAYBI SYNDROME 2. Identifiers: Orphanet 353284, Orphanet 783, MedGen C3150941, MONDO:0013364, OMIM 613684.

gnomAD v4.1: 1 of 1,614,144 alleles (0.000062%); highest among the groups gnomAD compares: Non-Finnish European, 0.000085%; no homozygotes.

Submission:

Labcorp Genetics (formerly Invitae), Labcorp
Classification: Uncertain significance for Rubinstein-Taybi syndrome due to EP300 haploinsufficiency. Last evaluated: 2024-04-05. Review status: criteria provided, single submitter. Criteria: Invitae Variant Classification Sherloc (09022015). Collection method: clinical testing. Allele origin: germline.
Comment: This sequence change replaces leucine, which is neutral and non-polar, with phenylalanine, which is neutral and non-polar, at codon 236 of the EP300 protein (p.Leu236Phe). This variant is not present in population databases (gnomAD no frequency). This variant has not been reported in the literature in individuals affected with EP300-related conditions. Advanced modeling of protein sequence and biophysical properties (such as structural, functional, and spatial information, amino acid conservation, physicochemical variation, residue mobility, and thermodynamic stability) performed at Invitae indicates that this missense variant is not expected to disrupt EP300 protein function with a negative predictive value of 80%. In summary, the available evidence is currently insufficient to determine the role of this variant in disease. Therefore, it has been classified as a Variant of Uncertain Significance.

NM_001429.4(EP300):c.708G>C (p.Leu236Phe)

Gene: EP300 (EP300 lysine acetyltransferase; plus strand). Cytogenetic location: 22q13.2.
Variant type: single nucleotide variant.
Coding change: c.708G>C on transcript NM_001429.4 (MANE Select); coding-DNA position 708, G replaced by C.
Protein change: p.Leu236Phe; replaces leucine 236 with phenylalanine.
Molecular consequence: missense variant.
Genome position (GRCh38, 1-based): chr22:41,117,800, G>C. VCF-style: chr22-41117800-G-C. GRCh37 (hg19) VCF-style: chr22-41513804-G-C.
Other names: c.708G>C, p.Leu236Phe (NM_001362843.2); short protein forms L236F.
Identifiers: ClinVar variation 3616828 (VCV003616828.2).